The following is an entry in ClinVar:

NM_020778.5(ALPK3):c.371C>A (p.Pro124Gln)

Gene: ALPK3 (alpha kinase 3; plus strand). Cytogenetic location: 15q25.3.
Variant type: single nucleotide variant.
Coding change: c.371C>A on transcript NM_020778.5 (MANE Select); coding-DNA position 371, C replaced by A.
Protein change: p.Pro124Gln; replaces proline 124 with glutamine.
Molecular consequence: missense variant.
Genome position (GRCh38, 1-based): chr15:84,839,046, C>A. VCF-style: chr15-84839046-C-A. GRCh37 (hg19) VCF-style: chr15-85382277-C-A.
Other names: short protein forms P124Q.
Identifiers: ClinVar variation 1768160 (VCV001768160.6), dbSNP rs1000753658, ClinGen allele CA393371924.
Genomic context (GRCh38, chr15:84,839,046, plus strand): 5'-CAGAGCCAGAGGTGACCTGGTACAAGGATGATACGGAGCTGGACCGCTACTGTGGCTTGC[C>A]AAAATATGAGATCACTCATCAGGGCAACCGCCACACACTGCAGCTGTACAGGTGAGGGAG-3'
Protein context (NP_065829.4, residues 114-134): DTELDRYCGL[Pro124Gln]KYEITHQGNR

ClinVar aggregate classification (germline): Uncertain significance. Review status: criteria provided, multiple submitters, no conflicts (2 of 4 stars). 3 submissions from 3 submitters: Uncertain significance (3). Last evaluated 2025-05-20.

Conditions:
ALPK3-related disorder. Also called: ALPK3-related condition.
Cardiovascular phenotype. Identifiers: MedGen CN230736.
Cardiomyopathy, familial hypertrophic 27. Identifiers: MedGen C4748014, MONDO:0054838, OMIM 618052.

Submissions (3):

PreventionGenetics, part of Exact Sciences
Classification: Uncertain significance for ALPK3-related condition. Last evaluated: 2025-05-20. Review status: criteria provided, single submitter. Criteria: ACMG Guidelines, 2015. Collection method: clinical testing. Allele origin: germline.
Comment: The ALPK3 c.977C>A variant is predicted to result in the amino acid substitution p.Pro326Gln. To our knowledge, this variant has not been reported in the literature or in a large population database (gnomAD), indicating this variant is rare. At this time, the clinical significance of this variant is uncertain due to the absence of conclusive functional and genetic evidence.

Ambry Genetics
Classification: Uncertain significance for Cardiovascular phenotype. Last evaluated: 2022-01-02. Review status: criteria provided, single submitter. Criteria: Ambry Variant Classification Scheme 2023. Collection method: clinical testing. Allele origin: germline.
Comment: The p.P326Q variant (also known as c.977C>A), located in coding exon 4 of the ALPK3 gene, results from a C to A substitution at nucleotide position 977. The proline at codon 326 is replaced by glutamine, an amino acid with similar properties. This amino acid position is conserved. In addition, the in silico prediction for this alteration is inconclusive. Since supporting evidence is limited at this time, the clinical significance of this alteration remains unclear.

Revvity Omics, Revvity
Classification: Uncertain significance for Cardiomyopathy, familial hypertrophic 27. Last evaluated: 2020-11-05. Review status: criteria provided, single submitter. Criteria: ACMG Guidelines, 2015. Collection method: clinical testing. Allele origin: germline.